The following is an entry in ClinVar:

NM_006348.5(COG5):c.785G>A (p.Ser262Asn)

Gene: COG5 (component of oligomeric golgi complex 5; minus strand). Cytogenetic location: 7q22.3.
Variant type: single nucleotide variant.
Coding change: c.785G>A on transcript NM_006348.5 (MANE Select); coding-DNA position 785, G replaced by A.
Protein change: p.Ser262Asn; replaces serine 262 with asparagine.
Molecular consequence: missense variant. On other transcripts: intron variant (2).
Genome position (GRCh38, 1-based): chr7:107,372,645, C>T on the plus strand (G>A on the coding strand, the complement: COG5 is on the minus strand). VCF-style: chr7-107372645-C-T. GRCh37 (hg19) VCF-style: chr7-107013090-C-T.
Other names: c.785G>A, p.Ser262Asn (NM_001161520.2, NM_001379511.1, NM_001379512.1 and 3 more transcripts); c.235-10535G>A (NM_001379516.1); c.539-74299G>A (NM_001379515.1); short protein forms S262N.
Identifiers: ClinVar variation 1479664 (VCV001479664.5), dbSNP rs1814282526, ClinGen allele CA368940764.

ClinVar aggregate classification (germline): Uncertain significance (1 of 4 stars; one submission).

Conditions:
COG5-congenital disorder of glycosylation. Also called: COG5-CDG; CDG IIi; CONGENITAL DISORDER OF GLYCOSYLATION, TYPE IIi. Identifiers: Orphanet 263487, MedGen C3150876, MONDO:0013325, OMIM 613612.

Allele frequency attached by ClinVar (database versions not stated): gnomAD exomes below 0.00001; gnomAD 0.00001.
gnomAD v4.1: 4 of 1,613,564 alleles (0.00025%); highest among the groups gnomAD compares: Non-Finnish European, 0.00017%; no homozygotes.

Submission:

Labcorp Genetics (formerly Invitae), Labcorp
Classification: Uncertain significance for COG5-congenital disorder of glycosylation. Last evaluated: 2021-08-14. Review status: criteria provided, single submitter. Criteria: Invitae Variant Classification Sherloc (09022015). Collection method: clinical testing. Allele origin: germline.
Comment: This sequence change replaces serine with asparagine at codon 293 of the COG5 protein (p.Ser293Asn). The serine residue is weakly conserved and there is a small physicochemical difference between serine and asparagine. This variant is not present in population databases (ExAC no frequency). This variant has not been reported in the literature in individuals affected with COG5-related conditions. Algorithms developed to predict the effect of missense changes on protein structure and function output the following: SIFT: "Tolerated"; PolyPhen-2: "Benign"; Align-GVGD: "Class C0". The asparagine amino acid residue is found in multiple mammalian species, which suggests that this missense change does not adversely affect protein function. In summary, the available evidence is currently insufficient to determine the role of this variant in disease. Therefore, it has been classified as a Variant of Uncertain Significance.